The following is an entry in ClinVar:

NM_001042492.3(NF1):c.4059C>A (p.Ser1353=)

Gene: NF1 (neurofibromin 1; plus strand). Cytogenetic location: 17q11.2.
Variant type: single nucleotide variant.
Coding change: c.4059C>A on transcript NM_001042492.3 (MANE Select); coding-DNA position 4059, C replaced by A.
Protein change: p.Ser1353=; no amino-acid change (serine 1353 retained).
Molecular consequence: synonymous variant.
Genome position (GRCh38, 1-based): chr17:31,249,068, C>A. VCF-style: chr17-31249068-C-A. GRCh37 (hg19) VCF-style: chr17-29576086-C-A.
Other names: c.4059C>A, p.Ser1353= (NM_000267.4).
Identifiers: ClinVar variation 186716 (VCV000186716.4), dbSNP rs786203168, ClinGen allele CA195641.

ClinVar aggregate classification (germline): Benign/Likely benign. Review status: criteria provided, multiple submitters, no conflicts (2 of 4 stars). 2 submissions from 2 submitters: Benign (1); Likely benign (1). Last evaluated 2026-09-29.

Conditions:
Neurofibromatosis, type 1 (NF1). Also called: VON RECKLINGHAUSEN DISEASE; NEUROFIBROMATOSIS, TYPE I, SOMATIC; Peripheral type neurofibromatosis; Neurofibromatosis, type I. Identifiers: Orphanet 636, MedGen C0027831, MONDO:0018975, OMIM 162200. Disease mechanism: loss of function.
Hereditary cancer-predisposing syndrome. Also called: Neoplastic Syndromes, Hereditary; Tumor predisposition; Hereditary Cancer Syndrome; Hereditary neoplastic syndrome. Identifiers: Orphanet 140162, MedGen C0027672, MeSH D009386, MONDO:0015356.

Submissions (2):

Myriad Genetics, Inc.
Classification: Benign for Neurofibromatosis, type 1. Last evaluated: 2026-09-29. Review status: criteria provided, single submitter. Criteria: Myriad Autosomal Dominant, Autosomal Recessive and X-Linked Classification Criteria (2023). Collection method: clinical testing. Allele origin: unknown.
Comment: This variant is considered benign. This variant is a silent/synonymous amino acid change and it is not expected to impact splicing.

Ambry Genetics
Classification: Likely benign for Hereditary cancer-predisposing syndrome. Last evaluated: 2014-10-20. Review status: criteria provided, single submitter. Criteria: Ambry Autosomal Dominant and X-Linked criteria (10/2015). Collection method: clinical testing. Allele origin: germline. Observed: 1 variant allele.